The following is an entry in ClinVar:

NM_004360.5(CDH1):c.1843A>T (p.Ile615Phe)

Gene: CDH1 (cadherin 1; plus strand). Cytogenetic location: 16q22.1.
Variant type: single nucleotide variant.
Coding change: c.1843A>T on transcript NM_004360.5 (MANE Select); coding-DNA position 1843, A replaced by T.
Protein change: p.Ile615Phe; replaces isoleucine 615 with phenylalanine.
Molecular consequence: missense variant. On other transcripts: 5 prime UTR variant (1).
Genome position (GRCh38, 1-based): chr16:68,822,132, A>T. VCF-style: chr16-68822132-A-T. GRCh37 (hg19) VCF-style: chr16-68856035-A-T.
Other names: c.1660A>T, p.Ile554Phe (NM_001317184.2); c.295A>T, p.Ile99Phe (NM_001317185.2); c.-123A>T (NM_001317186.2); short protein forms I99F, I554F, I615F.
Identifiers: ClinVar variation 1038711 (VCV001038711.12), dbSNP rs1003012321, ClinGen allele CA396466969.

ClinVar aggregate classification (germline): Conflicting classifications of pathogenicity. Review status: criteria provided, conflicting classifications (1 of 4 stars). 2 submissions from 2 submitters: Uncertain significance (1); Likely benign (1). Last evaluated 2025-07-31.

Conditions:
Hereditary cancer-predisposing syndrome. Also called: Neoplastic Syndromes, Hereditary; Hereditary Cancer Syndrome; Tumor predisposition; Hereditary neoplastic syndrome. Identifiers: Orphanet 140162, MedGen C0027672, MeSH D009386, MONDO:0015356.
Hereditary diffuse gastric adenocarcinoma (HDGC). Also called: DIFFUSE GASTRIC AND LOBULAR BREAST CANCER SYNDROME. Identifiers: Orphanet 26106, MedGen C1708349, MONDO:0007648, OMIM 137215.

Submissions (2):

Ambry Genetics
Classification: Likely benign for Hereditary cancer-predisposing syndrome. Last evaluated: 2025-07-31. Review status: criteria provided, single submitter. Criteria: Ambry Variant Classification Scheme 2023. Collection method: clinical testing. Allele origin: germline.

Labcorp Genetics (formerly Invitae), Labcorp
Classification: Uncertain significance for Hereditary diffuse gastric adenocarcinoma. Last evaluated: 2020-10-19. Review status: criteria provided, single submitter. Criteria: Invitae Variant Classification Sherloc (09022015). Collection method: clinical testing. Allele origin: germline.
Comment: In summary, the available evidence is currently insufficient to determine the role of this variant in disease. Therefore, it has been classified as a Variant of Uncertain Significance. Algorithms developed to predict the effect of missense changes on protein structure and function are either unavailable or do not agree on the potential impact of this missense change (SIFT: "Deleterious"; PolyPhen-2: "Benign"; Align-GVGD: "Class C0"). This variant has not been reported in the literature in individuals with CDH1-related conditions. This variant is not present in population databases (ExAC no frequency). This sequence change replaces isoleucine with phenylalanine at codon 615 of the CDH1 protein (p.Ile615Phe). The isoleucine residue is moderately conserved and there is a small physicochemical difference between isoleucine and phenylalanine.